The following is an entry in ClinVar:

ClinVar aggregate classification (germline): Uncertain significance (1 of 4 stars; one submission).

Conditions:
Erythrocytosis, familial, 3 (ECYT3). Identifiers: Orphanet 247511, MedGen C1853286, MONDO:0012353, OMIM 609820.

Submission:

Labcorp Genetics (formerly Invitae), Labcorp
Classification: Uncertain significance for Erythrocytosis, familial, 3. Last evaluated: 2023-07-03. Review status: criteria provided, single submitter. Criteria: Invitae Variant Classification Sherloc (09022015). Collection method: clinical testing. Allele origin: germline.
Comment: Algorithms developed to predict the effect of missense changes on protein structure and function output the following: SIFT: "Not Available"; PolyPhen-2: "Benign"; Align-GVGD: "Not Available". The asparagine amino acid residue is found in multiple mammalian species, which suggests that this missense change does not adversely affect protein function. In summary, the available evidence is currently insufficient to determine the role of this variant in disease. Therefore, it has been classified as a Variant of Uncertain Significance. This variant is not present in population databases (gnomAD no frequency). This sequence change replaces serine, which is neutral and polar, with asparagine, which is neutral and polar, at codon 275 of the EGLN1 protein (p.Ser275Asn). This variant has not been reported in the literature in individuals affected with EGLN1-related conditions.

NM_022051.3(EGLN1):c.824G>A (p.Ser275Asn)

Genes: EGLN1 (egl-9 family hypoxia inducible factor 1; minus strand), LOC129932769 (ATAC-STARR-seq lymphoblastoid active region 2730; plus strand). Cytogenetic location: 1q42.2.
Variant type: single nucleotide variant.
Coding change: c.824G>A on transcript NM_022051.3 (MANE Select); coding-DNA position 824, G replaced by A.
Protein change: p.Ser275Asn; replaces serine 275 with asparagine.
Molecular consequence: missense variant.
Genome position (GRCh38, 1-based): chr1:231,421,065, C>T on the plus strand (G>A on the coding strand, the complement: EGLN1 is on the minus strand). VCF-style: chr1-231421065-C-T. GRCh37 (hg19) VCF-style: chr1-231556811-C-T.
Other names: c.824G>A, p.Ser275Asn (NM_001377260.1, NM_001377261.1); short protein forms S275N.
Identifiers: ClinVar variation 2723609 (VCV002723609.3), dbSNP rs2527358419, ClinGen allele CA345235039.